The following is an entry in ClinVar:

NM_206933.4(USH2A):c.137T>A (p.Phe46Tyr)

Gene: USH2A (usherin; minus strand). Cytogenetic location: 1q41.
Variant type: single nucleotide variant.
Coding change: c.137T>A on transcript NM_206933.4 (MANE Select); coding-DNA position 137, T replaced by A.
Protein change: p.Phe46Tyr; replaces phenylalanine 46 with tyrosine.
Molecular consequence: missense variant.
Genome position (GRCh38, 1-based): chr1:216,422,200, A>T on the plus strand (T>A on the coding strand, the complement: USH2A is on the minus strand). VCF-style: chr1-216422200-A-T. GRCh37 (hg19) VCF-style: chr1-216595542-A-T.
Other names: c.137T>A, p.Phe46Tyr (NM_007123.6); short protein forms F46Y.
Identifiers: ClinVar variation 1369982 (VCV001369982.7), dbSNP rs2102789019, ClinGen allele CA344904879.

ClinVar aggregate classification (germline): Uncertain significance (1 of 4 stars; one submission).

Allele frequency attached by ClinVar (database versions not stated): gnomAD exomes 0.00001.
gnomAD v4.1: 9 of 1,612,408 alleles (0.00056%); highest among the groups gnomAD compares: Non-Finnish European, 0.00076%; no homozygotes.

Submission:

Labcorp Genetics (formerly Invitae), Labcorp
Classification: Uncertain significance. Last evaluated: 2024-11-03. Review status: criteria provided, single submitter. Criteria: Invitae Variant Classification Sherloc (09022015). Collection method: clinical testing. Allele origin: germline.
Comment: This sequence change replaces phenylalanine, which is neutral and non-polar, with tyrosine, which is neutral and polar, at codon 46 of the USH2A protein (p.Phe46Tyr). This variant is not present in population databases (gnomAD no frequency). This missense change has been observed in individual(s) with clinical features of USH2A-related conditions (PMID: 32707200). ClinVar contains an entry for this variant (Variation ID: 1369982). Invitae Evidence Modeling of protein sequence and biophysical properties (such as structural, functional, and spatial information, amino acid conservation, physicochemical variation, residue mobility, and thermodynamic stability) indicates that this missense variant is not expected to disrupt USH2A protein function with a negative predictive value of 95%. In summary, the available evidence is currently insufficient to determine the role of this variant in disease. Therefore, it has been classified as a Variant of Uncertain Significance.

Literature cited by the submitters: PubMed 32707200.